The following is an entry in ClinVar:

ClinVar aggregate classification (germline): Uncertain significance. Review status: criteria provided, multiple submitters, no conflicts (2 of 4 stars). 2 submissions from 2 submitters: Uncertain significance (2). Last evaluated 2025-12-16.

Conditions:
Immunodeficiency, common variable, 4. Also called: ANTIBODY DEFICIENCY DUE TO BAFFR DEFECT. Identifiers: Orphanet 1572, Orphanet 696925, MedGen C3150739, MONDO:0013284, OMIM 613494.

gnomAD v4.1: 2 of 1,588,384 alleles (0.00013%); highest among the groups gnomAD compares: Admixed American, 0.0035%; no homozygotes.

Submissions (2):

Ambry Genetics
Classification: Uncertain significance. Last evaluated: 2025-12-16. Review status: criteria provided, single submitter. Criteria: Ambry Variant Classification Scheme 2023. Collection method: clinical testing. Allele origin: germline.

Labcorp Genetics (formerly Invitae), Labcorp
Classification: Uncertain significance for Immunodeficiency, common variable, 4. Last evaluated: 2025-10-14. Review status: criteria provided, single submitter. Criteria: Invitae Variant Classification Sherloc (09022015). Collection method: clinical testing. Allele origin: germline.
Comment: This sequence change replaces alanine, which is neutral and non-polar, with glycine, which is neutral and non-polar, at codon 81 of the TNFRSF13C protein (p.Ala81Gly). This variant is present in population databases (no rsID available, gnomAD 0.003%). This variant has not been reported in the literature in individuals affected with TNFRSF13C-related conditions. An algorithm developed to predict the effect of missense changes on protein structure and function (PolyPhen-2) suggests that this variant is likely to be disruptive. In summary, the available evidence is currently insufficient to determine the role of this variant in disease. Therefore, it has been classified as a Variant of Uncertain Significance.

NM_052945.4(TNFRSF13C):c.242C>G (p.Ala81Gly)

Genes: TNFRSF13C (TNF receptor superfamily member 13C; minus strand), LOC130067574 (ATAC-STARR-seq lymphoblastoid silent region 13813; plus strand). Cytogenetic location: 22q13.2.
Variant type: single nucleotide variant.
Coding change: c.242C>G on transcript NM_052945.4 (MANE Select); coding-DNA position 242, C replaced by G.
Protein change: p.Ala81Gly; replaces alanine 81 with glycine.
Molecular consequence: missense variant.
Genome position (GRCh38, 1-based): chr22:41,926,226, G>C on the plus strand (C>G on the coding strand, the complement: TNFRSF13C is on the minus strand). VCF-style: chr22-41926226-G-C. GRCh37 (hg19) VCF-style: chr22-42322230-G-C.
Other names: short protein forms A81G.
Identifiers: ClinVar variation 4771717 (VCV004771717.2).